The following is an entry in ClinVar:

NM_000264.5(PTCH1):c.998A>T (p.Lys333Met)

Gene: PTCH1 (patched 1; minus strand). Cytogenetic location: 9q22.32.
Variant type: single nucleotide variant.
Coding change: c.998A>T on transcript NM_000264.5 (MANE Select); coding-DNA position 998, A replaced by T.
Protein change: p.Lys333Met; replaces lysine 333 with methionine.
Molecular consequence: missense variant. On other transcripts: non-coding transcript variant (1).
Genome position (GRCh38, 1-based): chr9:95,480,038, T>A on the plus strand (A>T on the coding strand, the complement: PTCH1 is on the minus strand). VCF-style: chr9-95480038-T-A. GRCh37 (hg19) VCF-style: chr9-98242320-T-A.
Other names: c.800A>T, p.Lys267Met (NM_001083602.3); c.995A>T, p.Lys332Met (NM_001083603.3); c.545A>T, p.Lys182Met (NM_001083604.3, NM_001083605.3, NM_001083606.3 and 1 more transcripts); c.998A>T, p.Lys333Met (NM_001354918.2); short protein forms K182M, K332M, K267M, K333M.
Identifiers: ClinVar variation 1351559 (VCV001351559.8), dbSNP rs1238175144, ClinGen allele CA374119708.
Genomic context (GRCh38, chr9:95,480,038, plus strand): 5'-TTTCCAGTGCTGTTCTTGACTGTGCCACCCACAATCAACTCCTCCTGCCAGTGCATATAC[T>A]TTCTGGATAAGCCATGACATCCACCATTCAAAACAAGGGCCATATCAAGAGGCTAAAATA-3'
Protein context (NP_000255.2, residues 323-343): LNGGCHGLSR[Lys333Met]YMHWQEELIV

ClinVar aggregate classification (germline): Uncertain significance (1 of 4 stars; one submission).

Conditions:
Gorlin syndrome. Also called: Basal cell nevus syndrome; Nevoid Basal Cell Carcinoma Syndrome. Identifiers: Orphanet 377, MedGen C0004779, MONDO:0007187.

Submission:

Labcorp Genetics (formerly Invitae), Labcorp
Classification: Uncertain significance for Gorlin syndrome. Last evaluated: 2022-07-18. Review status: criteria provided, single submitter. Criteria: Invitae Variant Classification Sherloc (09022015). Collection method: clinical testing. Allele origin: germline.
Comment: This variant has not been reported in the literature in individuals affected with PTCH1-related conditions. This sequence change replaces lysine, which is basic and polar, with methionine, which is neutral and non-polar, at codon 333 of the PTCH1 protein (p.Lys333Met). This variant is not present in population databases (gnomAD no frequency). ClinVar contains an entry for this variant (Variation ID: 1351559). Advanced modeling of protein sequence and biophysical properties (such as structural, functional, and spatial information, amino acid conservation, physicochemical variation, residue mobility, and thermodynamic stability) performed at Invitae indicates that this missense variant is expected to disrupt PTCH1 protein function. In summary, the available evidence is currently insufficient to determine the role of this variant in disease. Therefore, it has been classified as a Variant of Uncertain Significance.